The following is an entry in ClinVar:

ClinVar aggregate classification (germline): Uncertain significance. Review status: criteria provided, multiple submitters, no conflicts (2 of 4 stars). 2 submissions from 2 submitters: Uncertain significance (2). Last evaluated 2024-11-26.

Conditions:
RASopathy. Also called: rasopathies; Noonan spectrum disorder. Identifiers: Orphanet 536391, MedGen C5555857, MONDO:0021060.

Submissions (2):

Labcorp Genetics (formerly Invitae), Labcorp
Classification: Uncertain significance for RASopathy. Last evaluated: 2024-11-26. Review status: criteria provided, single submitter. Criteria: Invitae Variant Classification Sherloc (09022015). Collection method: clinical testing. Allele origin: germline.
Comment: This sequence change replaces arginine, which is basic and polar, with glutamine, which is neutral and polar, at codon 688 of the SOS1 protein (p.Arg688Gln). This variant also falls at the last nucleotide of exon 12, which is part of the consensus splice site for this exon. This variant is not present in population databases (gnomAD no frequency). This variant has not been reported in the literature in individuals affected with SOS1-related conditions. ClinVar contains an entry for this variant (Variation ID: 1220476). An algorithm developed to predict the effect of missense changes on protein structure and function (PolyPhen-2) suggests that this variant is likely to be disruptive. Variants that disrupt the consensus splice site are a relatively common cause of aberrant splicing (PMID: 17576681, 9536098). In summary, the available evidence is currently insufficient to determine the role of this variant in disease. Therefore, it has been classified as a Variant of Uncertain Significance.

GeneDx
Classification: Uncertain significance. Last evaluated: 2020-07-27. Review status: criteria provided, single submitter. Criteria: GeneDx Variant Classification Process June 2021. Collection method: clinical testing. Allele origin: germline. Affected: yes.
Comment: Not observed in large population cohorts (Lek et al., 2016); The majority of missense variants in this gene are considered pathogenic (Stenson et al., 2014); In silico analysis, which includes protein predictors and evolutionary conservation, supports a deleterious effect; In-silico analysis, which includes splice predictors and evolutionary conservation, is inconclusive as to whether the variant alters gene splicing. In the absence of RNA/functional studies, the actual effect of this sequence change is unknown; Has not been previously published as pathogenic or benign to our knowledge

Literature cited by the submitters: PubMed 17576681 (cited by Labcorp Genetics (formerly Invitae), Labcorp); PubMed 9536098 (cited by Labcorp Genetics (formerly Invitae), Labcorp).

NM_005633.4(SOS1):c.2063G>A (p.Arg688Gln)

Gene: SOS1 (SOS Ras/Rac guanine nucleotide exchange factor 1; minus strand). Cytogenetic location: 2p22.1.
Variant type: single nucleotide variant.
Coding change: c.2063G>A on transcript NM_005633.4 (MANE Select); coding-DNA position 2063, G replaced by A.
Protein change: p.Arg688Gln; replaces arginine 688 with glutamine.
Molecular consequence: missense variant.
Genome position (GRCh38, 1-based): chr2:39,013,867, C>T on the plus strand (G>A on the coding strand, the complement: SOS1 is on the minus strand). VCF-style: chr2-39013867-C-T. GRCh37 (hg19) VCF-style: chr2-39241008-C-T.
Other names: c.2042G>A, p.Arg681Gln (NM_001382394.1); c.2063G>A, p.Arg688Gln (NM_001382395.1); short protein forms R681Q, R688Q.
Identifiers: ClinVar variation 1220476 (VCV001220476.8), dbSNP rs2124518275, ClinGen allele CA346364749.
Genomic context (GRCh38, chr2:39,013,867, plus strand): 5'-CTTCAACATTGAAACGAAAGTTTGATAAAGACTTATTTACTTCATTTATTTAATGCTTAC[C>T]GCAGTTGCACAGGCTGTATATATTCTTTTCTAAATCTTTTCAGTTCTGCACTCAAGGGTT-3'
Protein context (NP_005624.2, residues 678-698): RKEYIQPVQL[Arg688Gln]VLNVCRHWVE